The following is an entry in ClinVar:

NM_000455.5(STK11):c.19C>T (p.Gln7Ter)

Gene: STK11 (serine/threonine kinase 11; plus strand). Cytogenetic location: 19p13.3.
Variant type: single nucleotide variant.
Coding change: c.19C>T on transcript NM_000455.5 (MANE Select); coding-DNA position 19, C replaced by T.
Protein change: p.Gln7Ter; replaces glutamine 7 with a stop codon.
Molecular consequence: nonsense.
Genome position (GRCh38, 1-based): chr19:1,206,932, C>T. VCF-style: chr19-1206932-C-T. GRCh37 (hg19) VCF-style: chr19-1206931-C-T.
Other names: short protein forms Q7*.
Identifiers: ClinVar variation 1378041 (VCV001378041.7), dbSNP rs2080669968, ClinGen allele CA402943051.

ClinVar aggregate classification (germline): Pathogenic. Review status: criteria provided, multiple submitters, no conflicts (2 of 4 stars). 2 submissions from 2 submitters: Pathogenic (2). Last evaluated 2024-08-03.

Conditions:
Peutz-Jeghers syndrome (PJS). Also called: POLYPOSIS, HAMARTOMATOUS INTESTINAL; POLYPS-AND-SPOTS SYNDROME; Peutz-Jeghers polyposis; Periorificial lentiginosis syndrome. Identifiers: Orphanet 2869, MedGen C0031269, MeSH D010580, MONDO:0008280, OMIM 175200.

Submissions (2):

Labcorp Genetics (formerly Invitae), Labcorp
Classification: Pathogenic for Peutz-Jeghers syndrome. Last evaluated: 2024-08-03. Review status: criteria provided, single submitter. Criteria: Invitae Variant Classification Sherloc (09022015). Collection method: clinical testing. Allele origin: germline.
Comment: This sequence change creates a premature translational stop signal (p.Gln7*) in the STK11 gene. It is expected to result in an absent or disrupted protein product. Loss-of-function variants in STK11 are known to be pathogenic (PMID: 15188174, 16287113). This variant is not present in population databases (gnomAD no frequency). This variant has not been reported in the literature in individuals affected with STK11-related conditions. ClinVar contains an entry for this variant (Variation ID: 1378041). For these reasons, this variant has been classified as Pathogenic.

Myriad Genetics, Inc.
Classification: Pathogenic for Peutz-Jeghers syndrome. Last evaluated: 2024-02-09. Review status: criteria provided, single submitter. Criteria: Myriad Autosomal Dominant, Autosomal Recessive and X-Linked Classification Criteria (2023). Collection method: clinical testing. Allele origin: unknown.
Comment: This variant is considered pathogenic. This variant creates a termination codon and is predicted to result in premature protein truncation.

Literature cited by the submitters: PubMed 15188174 (cited by Labcorp Genetics (formerly Invitae), Labcorp); PubMed 16287113 (cited by Labcorp Genetics (formerly Invitae), Labcorp).